The following is an entry in ClinVar:

ClinVar aggregate classification (germline): Benign/Likely benign. Review status: criteria provided, multiple submitters, no conflicts (2 of 4 stars). 3 submissions from 3 submitters: Benign (2); Likely benign (1). Last evaluated 2023-04-14.

Allele frequency attached by ClinVar (database versions not stated): gnomAD exomes 0.00050 and 0.00115; ESP Exome Variant Server 0.00438; 1000 Genomes Project 0.00499; ExAC 0.00134; gnomAD 0.00469 and 0.00508; TOPMed 0.00507; 1000 Genomes Project 30x 0.00578.
gnomAD v4.1: 1,493 of 1,613,854 alleles (0.093%); highest among the groups gnomAD compares: African/African-American, 1.6%; 14 homozygotes.

Submissions (3):

GeneDx
Classification: Likely benign. Last evaluated: 2023-04-14. Review status: criteria provided, single submitter. Criteria: GeneDx Variant Classification Process June 2021. Collection method: clinical testing. Allele origin: germline.
Comment: See Variant Classification Assertion Criteria.

Women's Health and Genetics/Laboratory Corporation of America, LabCorp
Classification: Benign. Last evaluated: 2017-09-18. Review status: criteria provided, single submitter. Criteria: LabCorp Variant Classification Summary - May 2015. Collection method: clinical testing. Allele origin: germline.
Comment: Variant summary: The NOS1AP c.1217C>T (p.Ala406Val) variant involves the alteration of a non-conserved nucleotide. 2/3 in silico tools predict a benign outcome for this variant (SNPsandGO and MutationTaster not captured due to low reliability index). This variant was found in ExAC in 162/120512 control chromosomes, predominantly observed in the African subpopulation at a frequency of 0.013835 (142/10264). This frequency is about 1383 times the estimated maximal expected allele frequency of a pathogenic NOS1AP variant (0.00001), suggesting this is likely a benign polymorphism found primarily in the populations of African origin. gnomAD reporrs the variant at a frequency 0.00156 (434/276598, including 5 homozygotes). The variant of interest has not, to our knowledge, been reported in affected individuals via publications and/or reputable databases/clinical diagnostic laboratories nor was it evaluated for functional impact by in vivo/vitro studies. Taken together, based on the frequency in general population, this variant is classified as benign.

Breakthrough Genomics
Classification: Benign. Review status: criteria provided, single submitter. Criteria: ACMG Guidelines, 2015. Collection method: not provided. Allele origin: germline. Inheritance: Autosomal recessive inheritance. Affected: yes.

NM_014697.3(NOS1AP):c.1217C>T (p.Ala406Val)

Gene: NOS1AP (nitric oxide synthase 1 adaptor protein; plus strand). Cytogenetic location: 1q23.3.
Variant type: single nucleotide variant.
Coding change: c.1217C>T on transcript NM_014697.3 (MANE Select); coding-DNA position 1217, C replaced by T.
Protein change: p.Ala406Val; replaces alanine 406 with valine.
Molecular consequence: missense variant.
Genome position (GRCh38, 1-based): chr1:162,367,163, C>T. VCF-style: chr1-162367163-C-T. GRCh37 (hg19) VCF-style: chr1-162336953-C-T.
Other names: c.332C>T, p.Ala111Val (NM_001126060.2); c.1202C>T, p.Ala401Val (NM_001164757.2); short protein forms A406V, A111V, A401V.
Identifiers: ClinVar variation 36661 (VCV000036661.5), dbSNP rs34398505, ClinGen allele CA214182.